The following is an entry in ClinVar:

NM_001939.3(DRP2):c.435T>C (p.His145=)

Gene: DRP2 (dystrophin related protein 2; plus strand). Cytogenetic location: Xq22.1.
Variant type: single nucleotide variant.
Coding change: c.435T>C on transcript NM_001939.3 (MANE Select); coding-DNA position 435, T replaced by C.
Protein change: p.His145=; no amino-acid change (histidine 145 retained).
Molecular consequence: synonymous variant.
Genome position (GRCh38, 1-based): chrX:101,237,772, T>C. VCF-style: chrX-101237772-T-C. GRCh37 (hg19) VCF-style: chrX-100492761-T-C.
Other names: c.201T>C, p.His67= (NM_001171184.2).
Identifiers: ClinVar variation 716034 (VCV000716034.13), dbSNP rs57462386, ClinGen allele CA10472063.
Genomic context (GRCh38, chrX:101,237,772, plus strand): 5'-GTCAGCTCAGCTGCCCCTACAGGGGGATGTGGCCCTGGTGCAACAGGAGAAGGAGACACA[T>C]GCGGTAGGTTAGAATCAGAGAAGCCGTGGTGTGTAGCCTCTCAGCTGGGGAGGAATCCCT-3'
Protein context (NP_001930.2, residues 135-155): VALVQQEKET[His145=]AAFMEEVKSR

ClinVar aggregate classification (germline): Benign. Review status: criteria provided, multiple submitters, no conflicts (2 of 4 stars). 3 submissions from 3 submitters: Benign (2). 1 of the submissions does not count toward it. Last evaluated 2026-01-06.

Conditions:
DRP2-related disorder. Also called: DRP2-related condition.

Allele frequency attached by ClinVar (database versions not stated): gnomAD exomes 0.00133 and 0.00415; ExAC 0.00519; gnomAD 0.01257 and 0.01309; TOPMed 0.01528; ESP Exome Variant Server 0.01562; 1000 Genomes Project 0.01722; 1000 Genomes Project 30x 0.01748.
gnomAD v4.1: 2,819 of 1,137,839 alleles (0.25%); highest among the groups gnomAD compares: African/African-American, 4.6%; 37 homozygotes.

Submissions (3):

Labcorp Genetics (formerly Invitae), Labcorp
Classification: Benign. Last evaluated: 2026-01-06. Review status: criteria provided, single submitter. Criteria: Invitae Variant Classification Sherloc (09022015). Collection method: clinical testing. Allele origin: germline.

Breakthrough Genomics
Classification: Benign. Review status: criteria provided, single submitter. Criteria: ACMG Guidelines, 2015. Collection method: not provided. Allele origin: germline. Inheritance: Unknown mechanism. Affected: yes.

PreventionGenetics, part of Exact Sciences
Classification: Likely benign for DRP2-related condition. Last evaluated: 2020-02-19. Review status: no assertion criteria provided. Collection method: clinical testing. Allele origin: germline. Not counted in ClinVar's aggregate classification.
Comment: This variant is classified as likely benign based on ACMG/AMP sequence variant interpretation guidelines (Richards et al. 2015 PMID: 25741868, with internal and published modifications).